The following is an entry in ClinVar:

ClinVar aggregate classification (germline): Pathogenic (1 of 4 stars; one submission).

Conditions:
Developmental and epileptic encephalopathy. Identifiers: MedGen C5779964, MONDO:0100620.

Submission:

Labcorp Genetics (formerly Invitae), Labcorp
Classification: Pathogenic for Early-infantile DEE. Last evaluated: 2023-05-27. Review status: criteria provided, single submitter. Criteria: Invitae Variant Classification Sherloc (09022015). Collection method: clinical testing. Allele origin: unknown.
Comment: This variant is a gross deletion of the genomic region encompassing exon(s) 2-9 of the KCNQ2 gene. This variant would be expected to be in-frame, preserving the integrity of the reading frame. For these reasons, this variant has been classified as Pathogenic. This variant disrupts a region of the KCNQ2 protein in which other variant(s) (p.Thr359Lys) have been determined to be pathogenic (PMID: 19559753; Invitae). This suggests that this is a clinically significant region of the protein, and that variants that disrupt it are likely to be disease-causing. This variant has not been reported in the literature in individuals affected with KCNQ2-related conditions.

Literature cited by the submitters: PubMed 19559753.

NC_000020.10:g.(?_62062673)_(62078210_?)del

Gene: KCNQ2 (potassium voltage-gated channel subfamily Q member 2; minus strand). Cytogenetic location: 20q13.33.
Variant type: Deletion.
Identifiers: ClinVar variation 3248242 (VCV003248242.1).